The following is an entry in ClinVar:

NM_053025.4(MYLK):c.4607T>C (p.Met1536Thr)

Gene: MYLK (myosin light chain kinase; minus strand). Cytogenetic location: 3q21.1.
Variant type: single nucleotide variant.
Coding change: c.4607T>C on transcript NM_053025.4 (MANE Select); coding-DNA position 4607, T replaced by C.
Protein change: p.Met1536Thr; replaces methionine 1536 with threonine.
Molecular consequence: missense variant.
Genome position (GRCh38, 1-based): chr3:123,647,236, A>G on the plus strand (T>C on the coding strand, the complement: MYLK is on the minus strand). VCF-style: chr3-123647236-A-G. GRCh37 (hg19) VCF-style: chr3-123366083-A-G.
Other names: c.4079T>C, p.Met1360Thr (NM_001321309.2); c.4400T>C, p.Met1467Thr (NM_053026.4, NM_053028.4); c.4607T>C, p.Met1536Thr (NM_053027.4); short protein forms M1467T, M1360T, M1536T.
Identifiers: ClinVar variation 2838241 (VCV002838241.3), dbSNP rs2473358855, ClinGen allele CA354226964.

ClinVar aggregate classification (germline): Uncertain significance (1 of 4 stars; one submission).

Conditions:
Aortic aneurysm, familial thoracic 7 (AAT7). Also called: AORTIC DISSECTION, FAMILIAL, WITH OR WITHOUT AORTIC ANEURYSM. Identifiers: MedGen C3151077, MONDO:0013418, OMIM 613780.

Allele frequency attached by ClinVar (database versions not stated): gnomAD exomes below 0.00001.

Submission:

Labcorp Genetics (formerly Invitae), Labcorp
Classification: Uncertain significance for Aortic aneurysm, familial thoracic 7. Last evaluated: 2023-02-16. Review status: criteria provided, single submitter. Criteria: Invitae Variant Classification Sherloc (09022015). Collection method: clinical testing. Allele origin: germline.
Comment: This sequence change replaces methionine, which is neutral and non-polar, with threonine, which is neutral and polar, at codon 1536 of the MYLK protein (p.Met1536Thr). This variant is not present in population databases (gnomAD no frequency). This variant has not been reported in the literature in individuals affected with MYLK-related conditions. Advanced modeling of protein sequence and biophysical properties (such as structural, functional, and spatial information, amino acid conservation, physicochemical variation, residue mobility, and thermodynamic stability) performed at Invitae indicates that this missense variant is not expected to disrupt MYLK protein function. In summary, the available evidence is currently insufficient to determine the role of this variant in disease. Therefore, it has been classified as a Variant of Uncertain Significance.